The following is an entry in ClinVar:

NM_025179.4(PLXNA2):c.1604A>G (p.Asn535Ser)

Gene: PLXNA2 (plexin A2; minus strand). Cytogenetic location: 1q32.2.
Variant type: single nucleotide variant.
Coding change: c.1604A>G on transcript NM_025179.4 (MANE Select); coding-DNA position 1604, A replaced by G.
Protein change: p.Asn535Ser; replaces asparagine 535 with serine.
Molecular consequence: missense variant.
Genome position (GRCh38, 1-based): chr1:208,103,150, T>C on the plus strand (A>G on the coding strand, the complement: PLXNA2 is on the minus strand). VCF-style: chr1-208103150-T-C. GRCh37 (hg19) VCF-style: chr1-208276495-T-C.
Other names: short protein forms N535S.
Identifiers: ClinVar variation 4992730 (VCV004992730.1).

ClinVar aggregate classification (germline): Uncertain significance (1 of 4 stars; one submission).

Conditions:
PLXNA2-related disorder. Also called: PLXNA2-related condition.

gnomAD v4.1: 1 of 1,612,512 alleles (0.000062%); highest among the groups gnomAD compares: African/African-American, 0.0013%; no homozygotes.

Submission:

PreventionGenetics, part of Exact Sciences
Classification: Uncertain significance for PLXNA2-related condition. Last evaluated: 2025-08-26. Review status: criteria provided, single submitter. Criteria: ACMG Guidelines, 2015. Collection method: clinical testing. Allele origin: germline.
Comment: The PLXNA2 c.1604A>G variant is predicted to result in the amino acid substitution p.Asn535Ser. To our knowledge, this variant has not been reported in the literature or in a large population database (gnomAD), indicating this variant is rare. At this time, the clinical significance of this variant is uncertain due to the absence of conclusive functional and genetic evidence.